The following is an entry in ClinVar:

ClinVar aggregate classification (germline): Conflicting classifications of pathogenicity. Review status: criteria provided, conflicting classifications (1 of 4 stars). 3 submissions from 3 submitters: Uncertain significance (1); Benign (2). Last evaluated 2018-01-13.

Conditions:
Acrodermatitis continua suppurativa of Hallopeau (PSORS14). Also called: INTERLEUKIN 36 RECEPTOR ANTAGONIST DEFICIENCY; ACRODERMATITIS CONTINUA OF HALLOPEAU; Psoriasis 14, pustular. Identifiers: Orphanet 163931, MedGen C0392439, MONDO:0013626, OMIM 614204.
Generalized pustular psoriasis. Identifiers: Orphanet 247353, MedGen C0343055, MONDO:0100491.

Allele frequency attached by ClinVar (database versions not stated): gnomAD 0.64633 and 0.65118; gnomAD exomes 0.65066; TOPMed 0.65785; 1000 Genomes Project 30x 0.71330; 1000 Genomes Project 0.71546.

Submissions (3):

Illumina Laboratory Services, Illumina
Classification: Benign for Acrodermatitis continua suppurativa of Hallopeau. Last evaluated: 2018-01-13. Review status: criteria provided, single submitter. Criteria: ICSL Variant Classification Criteria 13 December 2019. Collection method: clinical testing. Allele origin: germline.
Comment: This variant was observed in the ICSL laboratory as part of a predisposition screen in an ostensibly healthy population. It had not been previously curated by ICSL or reported in the Human Gene Mutation Database (HGMD: prior to June 1st, 2018), and was therefore a candidate for classification through an automated scoring system. Utilizing variant allele frequency, disease prevalence and penetrance estimates, and inheritance mode, an automated score was calculated to assess if this variant is too frequent to cause the disease. Based on the score and internal cut-off values, a variant classified as benign is not then subjected to further curation. The score for this variant resulted in a classification of benign for this disease.

Breakthrough Genomics
Classification: Benign. Review status: criteria provided, single submitter. Criteria: ACMG Guidelines, 2015. Collection method: not provided. Allele origin: germline. Inheritance: Autosomal recessive inheritance. Affected: yes.

Clinical Genomics, Uppaluri K&H Personalized Medicine Clinic
Classification: Uncertain significance for Acrodermatitis continua suppurativa of Hallopeau. Review status: criteria provided, single submitter. Criteria: K &amp; H Uppaluri Personalized Medicine Clinic Variant Classification &amp; Assertion Criteria_Updated V.1. Collection method: clinical testing. Allele origin: germline. Inheritance: Autosomal recessive inheritance. Affected: yes. Observed: 1 heterozygote.
Comment: Patients with Generalized pustular Psoriasis, with certain mutations, respond very well to IL-1 antagonists like Anakinra, as IL36RN mutations upregulate IL-1. IL36RN gene encodes IL-36 receptor antagonist (IL-36Ra), which is required for subsequent activation of intracellular NF-κB and mitogen-activated protein kinase pathways.. However, the role of rs2515402 is yet to be ascertained.

Literature cited by the submitters: PubMed 27220475 (cited by Clinical Genomics, Uppaluri K&H Personalized Medicine Clinic); PubMed 24656634 (cited by Clinical Genomics, Uppaluri K&H Personalized Medicine Clinic); PubMed 34903506 (cited by Clinical Genomics, Uppaluri K&H Personalized Medicine Clinic).

NM_012275.3(IL36RN):c.*326C>A

Gene: IL36RN (interleukin 36 receptor antagonist; plus strand). Cytogenetic location: 2q14.1.
Variant type: single nucleotide variant.
Coding change: c.*326C>A on transcript NM_012275.3 (MANE Select); 326 bases downstream of the stop codon, C replaced by A.
Molecular consequence: 3 prime UTR variant.
Genome position (GRCh38, 1-based): chr2:113,063,003, C>A. VCF-style: chr2-113063003-C-A. GRCh37 (hg19) VCF-style: chr2-113820580-C-A.
Other names: c.*326C>A (NM_173170.1).
Identifiers: ClinVar variation 330787 (VCV000330787.7), dbSNP rs2515402, ClinGen allele CA10611813.